The following is an entry in ClinVar:

ClinVar aggregate classification (germline): Uncertain significance (1 of 4 stars; one submission).

Conditions:
Inborn genetic diseases. Identifiers: MedGen C0950123, MeSH D030342.

gnomAD v4.1: 1 of 1,613,158 alleles (0.000062%); highest among the groups gnomAD compares: Non-Finnish European, 0.000085%; no homozygotes.

Submission:

Ambry Genetics
Classification: Uncertain significance for Inborn genetic diseases. Last evaluated: 2024-09-09. Review status: criteria provided, single submitter. Criteria: Ambry Variant Classification Scheme 2023. Collection method: clinical testing. Allele origin: germline.
Comment: The p.R1847S variant (also known as c.5541G>C), located in coding exon 38 of the LRRK2 gene, results from a G to C substitution at nucleotide position 5541. The arginine at codon 1847 is replaced by serine, an amino acid with dissimilar properties. This amino acid position is conserved. In addition, this alteration is predicted to be tolerated by in silico analysis. Based on the available evidence, the clinical significance of this variant remains unclear.

NM_198578.4(LRRK2):c.5541G>C (p.Arg1847Ser)

Gene: LRRK2 (leucine rich repeat kinase 2; plus strand). Cytogenetic location: 12q12.
Variant type: single nucleotide variant.
Coding change: c.5541G>C on transcript NM_198578.4 (MANE Select); coding-DNA position 5541, G replaced by C.
Protein change: p.Arg1847Ser; replaces arginine 1847 with serine.
Molecular consequence: missense variant.
Genome position (GRCh38, 1-based): chr12:40,323,191, G>C. VCF-style: chr12-40323191-G-C. GRCh37 (hg19) VCF-style: chr12-40716993-G-C.
Other names: short protein forms R1847S.
Identifiers: ClinVar variation 3540668 (VCV003540668.1).